The following is an entry in ClinVar:

NM_017433.5(MYO3A):c.3584T>C (p.Val1195Ala)

Gene: MYO3A (myosin IIIA; plus strand). Cytogenetic location: 10p12.1.
Variant type: single nucleotide variant.
Coding change: c.3584T>C on transcript NM_017433.5 (MANE Select); coding-DNA position 3584, T replaced by C.
Protein change: p.Val1195Ala; replaces valine 1195 with alanine.
Molecular consequence: missense variant.
Genome position (GRCh38, 1-based): chr10:26,173,848, T>C. VCF-style: chr10-26173848-T-C. GRCh37 (hg19) VCF-style: chr10-26462777-T-C.
Other names: short protein forms V1195A.
Identifiers: ClinVar variation 178469 (VCV000178469.19), dbSNP rs35675577, ClinGen allele CA182392.

ClinVar aggregate classification (germline): Conflicting classifications of pathogenicity. Review status: criteria provided, conflicting classifications (1 of 4 stars). 4 submissions from 4 submitters: Uncertain significance (1); Benign (3). Last evaluated 2025-12-01.

Conditions:
Autosomal recessive nonsyndromic hearing loss 30. Identifiers: Orphanet 90636, MedGen C1846784, MONDO:0011774, OMIM 607101.

Allele frequency attached by ClinVar (database versions not stated): gnomAD 0.00039 and 0.00054; TOPMed 0.00053; ExAC 0.00077; gnomAD exomes 0.00089; 1000 Genomes Project 30x 0.00422; 1000 Genomes Project 0.00459.
gnomAD v4.1: 363 of 1,613,798 alleles (0.022%); highest among the groups gnomAD compares: East Asian, 0.71%; 5 homozygotes.

Submissions (4):

Labcorp Genetics (formerly Invitae), Labcorp
Classification: Benign. Last evaluated: 2025-12-01. Review status: criteria provided, single submitter. Criteria: Invitae Variant Classification Sherloc (09022015). Collection method: clinical testing. Allele origin: germline.

GeneDx
Classification: Benign. Last evaluated: 2020-01-07. Review status: criteria provided, single submitter. Criteria: GeneDx Variant Classification Process June 2021. Collection method: clinical testing. Allele origin: germline. Affected: yes.

Illumina Laboratory Services, Illumina
Classification: Uncertain significance for Autosomal recessive nonsyndromic hearing loss 30. Last evaluated: 2018-01-13. Review status: criteria provided, single submitter. Criteria: ICSL Variant Classification Criteria 13 December 2019. Collection method: clinical testing. Allele origin: germline.

Laboratory for Molecular Medicine, Mass General Brigham Personalized Medicine
Classification: Benign. Last evaluated: 2017-04-20. Review status: criteria provided, single submitter. Criteria: LMM Criteria. Collection method: clinical testing. Allele origin: germline. Observed: 3 variant alleles.
Comment: p.Val1195Ala in exon 30 of MYO3A: This variant is not expected to have clinical significance because it has been identified in 1.2% (217/18848) of East Asian ch romosomes by the Genome Aggregation Database (gnomAD; dbSNP rs35675577) and because the valine (Val) residue at position 1195 is not conserved across species, including mammals. Of note, marmoset and rabbi t have an alanine (Ala) at this position despite high nearby amino acid conserva tion. In addition, other computational prediction tools do not suggest a high l ikelihood of impact to the protein.